The following is an entry in ClinVar:

NM_000548.5(TSC2):c.1258-5G>T

Gene: TSC2 (TSC complex subunit 2; plus strand). Cytogenetic location: 16p13.3.
Variant type: single nucleotide variant.
Coding change: c.1258-5G>T on transcript NM_000548.5 (MANE Select); 5 bases into the intron before coding-DNA position 1258, G replaced by T.
Molecular consequence: intron variant.
Genome position (GRCh38, 1-based): chr16:2,062,492, G>T. VCF-style: chr16-2062492-G-T. GRCh37 (hg19) VCF-style: chr16-2112493-G-T.
Other names: c.1258-5G>T (NM_001114382.3, NM_021055.3, NM_001370405.1 and 4 more transcripts); c.1147-5G>T (NM_001318827.2); c.658-5G>T (NM_001318831.2); c.1111-5G>T (NM_001318829.2); c.1291-5G>T (NM_001318832.2).
Identifiers: ClinVar variation 413674 (VCV000413674.28), dbSNP rs925954967, ClinGen allele CA16614911.
Genomic context (GRCh38, chr16:2,062,492, plus strand): 5'-AGCCCAGTGTGGAGAAGGAGAGCGCCGGAGGGGCAGAGGGGCAACACCGGCTCTTCTTTT[G>T]ACAGGAGTCCTCCCTCCTGAACCTGATCTCCTATAGAGCGCAGTCCATCCACCCGGCCAA-3'

ClinVar aggregate classification (germline): Conflicting classifications of pathogenicity. Review status: criteria provided, conflicting classifications (1 of 4 stars). 10 submissions from 10 submitters: Uncertain significance (2); Benign (1); Likely benign (7). Last evaluated 2026-07-28.

Conditions:
TSC2-related disorder. Also called: TSC2-Related Disorders; TSC2-related condition.
Hereditary cancer-predisposing syndrome. Also called: Hereditary Cancer Syndrome; Tumor predisposition; Hereditary neoplastic syndrome; Neoplastic Syndromes, Hereditary. Identifiers: Orphanet 140162, MedGen C0027672, MeSH D009386, MONDO:0015356.
Tuberous sclerosis syndrome (TSC). Also called: Tuberous sclerosis; Tuberous Sclerosis Complex. Identifiers: Orphanet 805, MedGen C0041341, MONDO:0001734.
Tuberous sclerosis 2 (TSC2). Identifiers: Orphanet 805, MedGen C1860707, MONDO:0013199, OMIM 613254.

Allele frequency attached by ClinVar (database versions not stated): gnomAD exomes 0.00001; gnomAD 0.00002 and 0.00003; TOPMed 0.00005.
gnomAD v4.1: 6 of 1,607,018 alleles (0.00037%); highest among the groups gnomAD compares: African/African-American, 0.0067%; no homozygotes.

Submissions (10):

PreventionGenetics, part of Exact Sciences
Classification: Likely benign for TSC2-related condition. Last evaluated: 2026-07-28. Review status: criteria provided, single submitter. Criteria: ACMG Guidelines, 2015. Collection method: clinical testing. Allele origin: germline.
Comment: This variant is classified as likely benign based on ACMG/AMP sequence variant interpretation guidelines (Richards et al. 2015 PMID: 25741868, with internal and published modifications).

Labcorp Genetics (formerly Invitae), Labcorp
Classification: Likely benign for Tuberous sclerosis 2. Last evaluated: 2025-12-29. Review status: criteria provided, single submitter. Criteria: Invitae Variant Classification Sherloc (09022015). Collection method: clinical testing. Allele origin: germline.

Color Diagnostics, LLC DBA Color Health
Classification: Likely benign for Tuberous sclerosis syndrome. Last evaluated: 2025-06-10. Review status: criteria provided, single submitter. Criteria: ACMG Guidelines, 2015. Collection method: clinical testing. Allele origin: germline.

Myriad Genetics, Inc.
Classification: Benign for Tuberous sclerosis 2. Last evaluated: 2024-09-05. Review status: criteria provided, single submitter. Criteria: Myriad Autosomal Dominant, Autosomal Recessive and X-Linked Classification Criteria (2023). Collection method: clinical testing. Allele origin: unknown.
Comment: This variant is considered benign. This variant is intronic and is not expected to impact mRNA splicing. This variant has been observed at a population frequency that is significantly greater than expected given the associated disease prevalence and penetrance.

All of Us Research Program, National Institutes of Health
Classification: Uncertain significance for Tuberous sclerosis syndrome. Last evaluated: 2023-10-02. Review status: criteria provided, single submitter. Criteria: ACMG Guidelines, 2015. Collection method: clinical testing. Allele origin: germline. Inheritance: Autosomal dominant inheritance. Observed: 2 variant alleles, 2 heterozygotes.
Comment: This variant causes a G to T nucleotide substitution at the -5 position of intron 12 of the TSC2 gene. Splice site prediction tools suggest that this variant may not impact RNA splicing. To our knowledge, functional studies have not been reported for this variant. This variant has not been reported in individuals affected with tuberous sclerosis complex in the literature. This variant has been identified in 3/271128 chromosomes in the general population by the Genome Aggregation Database (gnomAD). The available evidence is insufficient to determine the role of this variant in disease conclusively. Therefore, this variant is classified as a Variant of Uncertain Significance.

This study involves interpretation of variants in research participants for the purpose of population health screening. Participant phenotype was not available at the time of variant classification. Additional details can be found in publication PMID: 35346344, PMCID: PMC8962531

Sema4
Classification: Likely benign for Hereditary cancer-predisposing syndrome. Last evaluated: 2022-01-24. Review status: criteria provided, single submitter. Criteria: Sema4 Curation Guidelines. Collection method: curation. Allele origin: germline.

Genome-Nilou Lab
Classification: Likely benign for Tuberous sclerosis 2. Last evaluated: 2021-11-07. Review status: criteria provided, single submitter. Criteria: ACMG Guidelines, 2015. Collection method: clinical testing. Allele origin: germline. Affected: no.

GeneDx
Classification: Likely benign. Last evaluated: 2020-12-07. Review status: criteria provided, single submitter. Criteria: GeneDx Variant Classification Process June 2021. Collection method: clinical testing. Allele origin: germline. Affected: yes.

Ambry Genetics
Classification: Likely benign for Hereditary cancer-predisposing syndrome. Last evaluated: 2020-06-30. Review status: criteria provided, single submitter. Criteria: Ambry Variant Classification Scheme 2023. Collection method: clinical testing. Allele origin: germline.

Genetic Services Laboratory, University of Chicago
Classification: Uncertain significance. Last evaluated: 2015-10-15. Review status: criteria provided, single submitter. Criteria: ACMG Guidelines, 2015. Collection method: clinical testing. Allele origin: germline. Affected: no.